The following is an entry in ClinVar:

ClinVar aggregate classification (germline): Uncertain significance. Review status: criteria provided, multiple submitters, no conflicts (2 of 4 stars). 3 submissions from 3 submitters: Uncertain significance (3). Last evaluated 2026-04-29.

Conditions:
Inborn genetic diseases. Identifiers: MedGen C0950123, MeSH D030342.
Developmental and epileptic encephalopathy 94 (DEE94). Also called: CHD2-Related Neurodevelopmental Disorders; Epileptic encephalopathy, childhood-onset. Identifiers: Orphanet 1942, Orphanet 2382, MedGen C3809278, MONDO:0014150, OMIM 615369.

Allele frequency attached by ClinVar (database versions not stated): gnomAD exomes 0.00001 and 0.00003; gnomAD 0.00002 and 0.00003; ExAC 0.00003; TOPMed 0.00004.
gnomAD v4.1: 28 of 1,610,230 alleles (0.0017%); highest among the groups gnomAD compares: Admixed American, 0.0033%; no homozygotes.

Submissions (3):

Women's Health and Genetics/Laboratory Corporation of America, LabCorp
Classification: Uncertain significance. Last evaluated: 2026-04-29. Review status: criteria provided, single submitter. Criteria: LabCorp Variant Classification Summary - May 2015. Collection method: clinical testing. Allele origin: germline.
Comment: Variant summary: CHD2 c.3238G>C (p.Ala1080Pro) results in a non-conservative amino acid change in the encoded protein sequence. Algorithms developed to predict the effect of missense changes on protein structure and function are either unavailable or do not agree on the potential impact of this missense change. Several computational tools predict a significant impact on normal splicing: Three predict the variant weakens a 3' acceptor site. However, these predictions have yet to be confirmed by functional studies. The variant allele was found at a frequency of 2.8e-05 in 249388 control chromosomes. The available data on variant occurrences in the general population are insufficient to allow any conclusion about variant significance. To our knowledge, no occurrence of c.3238G>C in individuals affected with CHD2-related conditions and no experimental evidence demonstrating its impact on protein function have been reported. ClinVar contains an entry for this variant (Variation ID: 1001403). Based on the evidence outlined above, the variant was classified as uncertain significance.

Labcorp Genetics (formerly Invitae), Labcorp
Classification: Uncertain significance for Developmental and epileptic encephalopathy 94. Last evaluated: 2025-11-13. Review status: criteria provided, single submitter. Criteria: Invitae Variant Classification Sherloc (09022015). Collection method: clinical testing. Allele origin: germline.
Comment: This sequence change replaces alanine, which is neutral and non-polar, with proline, which is neutral and non-polar, at codon 1080 of the CHD2 protein (p.Ala1080Pro). This variant is present in population databases (rs760099829, gnomAD 0.006%). This variant has not been reported in the literature in individuals affected with CHD2-related conditions. ClinVar contains an entry for this variant (Variation ID: 1001403). An algorithm developed to predict the effect of missense changes on protein structure and function (PolyPhen-2) suggests that this variant is likely to be tolerated. In summary, the available evidence is currently insufficient to determine the role of this variant in disease. Therefore, it has been classified as a Variant of Uncertain Significance.

Ambry Genetics
Classification: Uncertain significance for Inborn genetic diseases. Last evaluated: 2017-06-27. Review status: criteria provided, single submitter. Criteria: Ambry Variant Classification Scheme 2023. Collection method: clinical testing. Allele origin: germline.
Comment: The p.A1080P variant (also known as c.3238G>C) is located in coding exon 25 of the CHD2 gene. The alanine at codon 1080 is replaced by proline, an amino acid with highly similar properties. This change occurs in the first base pair of coding exon 25. Using the BDGP and ESEfinder splice site prediction tools, this alteration is predicted to weaken the efficiency of the native splice acceptor site; however, direct evidence is unavailable. This amino acid position is well conserved in available vertebrate species; however, proline is the reference amino acid in other vertebrate species. In addition, this alteration is predicted to be tolerated by in silico analysis. Since supporting evidence is limited at this time, the clinical significance of this alteration remains unclear.

NM_001271.4(CHD2):c.3238G>C (p.Ala1080Pro)

Gene: CHD2 (chromodomain helicase DNA binding protein 2; plus strand). Cytogenetic location: 15q26.1.
Variant type: single nucleotide variant.
Coding change: c.3238G>C on transcript NM_001271.4 (MANE Select); coding-DNA position 3238, G replaced by C.
Protein change: p.Ala1080Pro; replaces alanine 1080 with proline.
Molecular consequence: missense variant.
Genome position (GRCh38, 1-based): chr15:92,985,498, G>C. VCF-style: chr15-92985498-G-C. GRCh37 (hg19) VCF-style: chr15-93528728-G-C.
Other names: short protein forms A1080P.
Identifiers: ClinVar variation 1001403 (VCV001001403.10), dbSNP rs760099829, ClinGen allele CA7748174.